The following is an entry in ClinVar:

NM_003126.4(SPTA1):c.340del (p.Thr114fs)

Gene: SPTA1 (spectrin alpha, erythrocytic 1; minus strand). Cytogenetic location: 1q23.1.
Variant type: Deletion.
Coding change: c.340del on transcript NM_003126.4 (MANE Select); coding-DNA position 340, one base deleted (A; older notation c.340delA).
Protein change: p.Thr114fs; shifts the reading frame from threonine 114.
Molecular consequence: frameshift variant.
Genome position (GRCh38, 1-based): chr1:158,683,421, T deleted on the plus strand (A on the coding strand, the reverse complement: SPTA1 is on the minus strand); the first of 6 consecutive T bases (chr1:158,683,421-158,683,426); deleting any one gives the same sequence. VCF-style (leftmost placement, unchanged base first): chr1-158683420-GT-G. GRCh37 (hg19) VCF-style: chr1-158653210-GT-G.
Other names: short protein forms T114fs.
Identifiers: ClinVar variation 4750108 (VCV004750108.1).
Genomic context (GRCh38, chr1:158,683,420, plus strand): 5'-CATACATATACCTTCGTTTCTTCGTGGGCAGAATGACCCATGGTAAATCGTTCTTCCCTT[GT>G]TTTTTCCAGTTCAGACATGAGTCTTGATTTTGTTTGCACCTCTGCTTCAAGGGATTGATG-3'

ClinVar aggregate classification (germline): Pathogenic (1 of 4 stars; one submission).

Submission:

Labcorp Genetics (formerly Invitae), Labcorp
Classification: Pathogenic. Last evaluated: 2025-10-29. Review status: criteria provided, single submitter. Criteria: Invitae Variant Classification Sherloc (09022015). Collection method: clinical testing. Allele origin: germline.
Comment: This sequence change creates a premature translational stop signal (p.Thr114Glnfs*20) in the SPTA1 gene. It is expected to result in an absent or disrupted protein product. Loss-of-function variants in SPTA1 are known to be pathogenic (PMID: 9192783, 18815189, 31333484, 31723846, 32266426). This variant is present in population databases (no rsID available, gnomAD 0.003%). This premature translational stop signal has been observed in individual(s) with anemia (PMID: 31038472). For these reasons, this variant has been classified as Pathogenic.

Literature cited by the submitters: PubMed 9192783; PubMed 18815189; PubMed 31333484; PubMed 31723846; PubMed 32266426; PubMed 31038472.